The following is an entry in ClinVar:

ClinVar aggregate classification (germline): Uncertain significance (1 of 4 stars; one submission).

Allele frequency attached by ClinVar (database versions not stated): ExAC 0.00001; gnomAD exomes 0.00001.
gnomAD v4.1: 7 of 1,605,806 alleles (0.00044%); highest among the groups gnomAD compares: East Asian, 0.0022%; no homozygotes.

Submission:

Labcorp Genetics (formerly Invitae), Labcorp
Classification: Uncertain significance. Last evaluated: 2022-06-13. Review status: criteria provided, single submitter. Criteria: Invitae Variant Classification Sherloc (09022015). Collection method: clinical testing. Allele origin: germline.
Comment: In summary, the available evidence is currently insufficient to determine the role of this variant in disease. Therefore, it has been classified as a Variant of Uncertain Significance. Variants that disrupt the consensus splice site are a relatively common cause of aberrant splicing (PMID: 17576681, 9536098). Algorithms developed to predict the effect of sequence changes on RNA splicing suggest that this variant is not likely to affect RNA splicing. This variant has not been reported in the literature in individuals affected with ATP8A2-related conditions. This variant is present in population databases (no rsID available, gnomAD 0.006%). This sequence change falls in intron 15 of the ATP8A2 gene. It does not directly change the encoded amino acid sequence of the ATP8A2 protein. It affects a nucleotide within the consensus splice site.

Literature cited by the submitters: PubMed 17576681; PubMed 9536098.

NM_016529.6(ATP8A2):c.1398-3C>T

Gene: ATP8A2 (ATPase phospholipid transporting 8A2). Cytogenetic location: 13q12.13.
Variant type: single nucleotide variant.
Coding change: c.1398-3C>T on transcript NM_016529.6 (MANE Select); 3 bases into the intron before coding-DNA position 1398, C replaced by T.
Molecular consequence: intron variant.
Genome position (GRCh38, 1-based): chr13:25,563,953, C>T. VCF-style: chr13-25563953-C-T. GRCh37 (hg19) VCF-style: chr13-26138091-C-T.
Other names: c.1278-3C>T (NM_001313741.1).
Identifiers: ClinVar variation 1998407 (VCV001998407.2), dbSNP rs1555299183, ClinGen allele CA6922914.